The following is an entry in ClinVar:

ClinVar aggregate classification (germline): Uncertain significance (1 of 4 stars; one submission).

Conditions:
Fabry disease. Also called: ALPHA-GALACTOSIDASE A DEFICIENCY; ANDERSON-FABRY DISEASE; CERAMIDE TRIHEXOSIDASE DEFICIENCY; GLA DEFICIENCY; HEREDITARY DYSTOPIC LIPIDOSIS; Angiokeratoma corporis diffusum. Identifiers: Orphanet 324, MedGen C0002986, MONDO:0010526, OMIM 301500, HP:0001071. Disease mechanism: Fabry disease is due to inactivating mutations in the X-linked GLA gene resulting in deficiency of the enzyme Alpha Galactosidase-A., loss of function.

Submission:

Genomenon, Inc
Classification: Uncertain significance for Fabry disease. Last evaluated: 2026-09-08. Review status: criteria provided, single submitter. Criteria: Genomenon Sequence Variant Interpretation Standards - Updated. Collection method: curation. Allele origin: germline. Affected: yes.
Comment: GLA p.Pro214Ser (c.640C>T) is a missense variant that changes the amino acid at codon 214 from Proline to Serine. This variant has been observed in at least one proband with clinical features consistent with Fabry disease (PMID:23756194). The variant was found to segregate with disease in at least one affected family (PMID:23756194). Functional or patient cell studies have been reported (PMID:32023956;23756194;27657681). It is absent or not present at a significant frequency in gnomAD. In silico models predict that this variant is possibly or probably damaging. In conclusion, we classify GLA p.Pro214Ser (c.640C>T) as a variant of uncertain significance.

Literature cited by the submitters: PubMed 23756194; PubMed 32023956; PubMed 27657681.

NM_000169.3(GLA):c.640C>T (p.Pro214Ser)

Genes: GLA (galactosidase alpha; minus strand), RPL36A-HNRNPH2 (RPL36A-HNRNPH2 readthrough; plus strand). Cytogenetic location: Xq22.1.
Variant type: single nucleotide variant.
Coding change: c.640C>T on transcript NM_000169.3 (MANE Select); coding-DNA position 640, C replaced by T.
Protein change: p.Pro214Ser; replaces proline 214 with serine.
Molecular consequence: missense variant. On other transcripts: non-coding transcript variant (3), intron variant (2).
Genome position (GRCh38, 1-based): chrX:101,398,946, G>A on the plus strand (C>T on the coding strand, the complement: GLA is on the minus strand). VCF-style: chrX-101398946-G-A. GRCh37 (hg19) VCF-style: chrX-100653934-G-A.
Other names: c.763C>T, p.Pro255Ser (NM_001406747.1); c.640C>T, p.Pro214Ser (NM_001406748.1); c.300+3489G>A (NM_001199973.2); c.177+7124G>A (NM_001199974.2); short protein forms P214S, P255S.
Identifiers: ClinVar variation 4087447 (VCV004087447.2), dbSNP rs869312375.
Genomic context (GRCh38, chrX:101,398,946, plus strand): 5'-CATCAATGTCAGCAAAATTTCGCCAGTGATTGCAGTACTGTCGGATTTCTGTATAATTGG[G>A]CTGTGAAAACAGATATGACTCTTCTGTTTACTTTCTACTAACATCCTTGTGAGATGAAAA-3'
Protein context (NP_000160.1, residues 204-224): WPLYMWPFQK[Pro214Ser]NYTEIRQYCN